The following is an entry in ClinVar:

ClinVar aggregate classification (germline): Uncertain significance. Review status: criteria provided, multiple submitters, no conflicts (2 of 4 stars). 8 submissions from 8 submitters: Uncertain significance (7). 1 of the submissions does not count toward it. Last evaluated 2026-08-01.

Conditions:
POLG-related disorder. Also called: POLG-Related Spectrum Disorders; POLG-related condition; POLG-Related Disorders. Identifiers: MedGen C4763519.
Progressive sclerosing poliodystrophy (MTDPS4A). Also called: Mitochondrial DNA depletion syndrome 4A (Alpers type); Mitochondrial DNA Depletion Syndrome 4A; ALPERS PROGRESSIVE INFANTILE POLIODYSTROPHY; Alpers-Huttenlocher Syndrome; Alpers Syndrome; ALPERS DIFFUSE DEGENERATION OF CEREBRAL GRAY MATTER WITH HEPATIC CIRRHOSIS. Identifiers: Orphanet 726, MedGen C0205710, MONDO:0008758, OMIM 203700.

Allele frequency attached by ClinVar (database versions not stated): gnomAD exomes 0.00002 and 0.00003; ExAC 0.00003; gnomAD 0.00007; TOPMed 0.00008.
gnomAD v4.1: 47 of 1,608,800 alleles (0.0029%); highest among the groups gnomAD compares: Non-Finnish European, 0.0035%; no homozygotes.

Submissions (8):

GeneDx
Classification: Uncertain significance. Last evaluated: 2026-08-01. Review status: criteria provided, single submitter. Criteria: GeneDx Variant Classification Process June 2021. Collection method: clinical testing. Allele origin: germline.
Comment: Reported in trans with a benign variant in POLG in an individual with colorectal cancer; no further clinical information was provided (PMID: 25850945); Not observed at significant frequency in large population cohorts (gnomAD); In silico analysis suggests that this missense variant does not alter protein structure/function; This variant is associated with the following publications: (PMID: 25850945)

Labcorp Genetics (formerly Invitae), Labcorp
Classification: Uncertain significance for Progressive sclerosing poliodystrophy. Last evaluated: 2026-01-28. Review status: criteria provided, single submitter. Criteria: Invitae Variant Classification Sherloc (09022015). Collection method: clinical testing. Allele origin: germline.
Comment: This sequence change replaces proline, which is neutral and non-polar, with leucine, which is neutral and non-polar, at codon 635 of the POLG protein (p.Pro635Leu). This variant is present in population databases (rs773994204, gnomAD 0.003%). This variant has not been reported in the literature in individuals affected with POLG-related conditions. ClinVar contains an entry for this variant (Variation ID: 206503). Invitae Evidence Modeling of protein sequence and biophysical properties (such as structural, functional, and spatial information, amino acid conservation, physicochemical variation, residue mobility, and thermodynamic stability) indicates that this missense variant is not expected to disrupt POLG protein function with a negative predictive value of 95%. In summary, the available evidence is currently insufficient to determine the role of this variant in disease. Therefore, it has been classified as a Variant of Uncertain Significance.

Blueprint Genetics
Classification: Uncertain significance. Last evaluated: 2024-10-03. Review status: criteria provided, single submitter. Criteria: ACMG Guidelines, 2015. Collection method: clinical testing. Allele origin: germline.

Mayo Clinic Laboratories, Mayo Clinic
Classification: Uncertain significance. Last evaluated: 2023-10-17. Review status: criteria provided, single submitter. Criteria: ACMG Guidelines, 2015. Collection method: clinical testing. Allele origin: germline. Observed: 1 variant allele.
Comment: BP4

CeGaT Center for Human Genetics Tuebingen
Classification: Uncertain significance. Last evaluated: 2022-11-01. Review status: criteria provided, single submitter. Criteria: CeGaT Center For Human Genetics Tuebingen Variant Classification Criteria Version 2. Collection method: clinical testing. Allele origin: germline. Affected: yes. Observed: 2 variant alleles.

Wong Mito Lab, Molecular and Human Genetics, Baylor College of Medicine
Classification: Uncertain significance for Progressive sclerosing poliodystrophy. Last evaluated: 2018-10-01. Review status: criteria provided, single submitter. Criteria: ACMG Guidelines, 2015. Collection method: clinical testing. Allele origin: germline.
Comment: The NM_002693.2:c.1904C>T (NP_002684.1:p.Pro635Leu) [GRCH38: NC_000015.10:g.89325495G>A] variant in POLG gene is interpretated to be a Uncertain Significance based on ACMG guidelines (PMID: 25741868). This variant meets the following evidence codes reported in the ACMG-guideline. PP3:Computational evidence/predictors indicate the variant has deleterious effect on POLG structure, function, or protein-protein interaction. Based on the evidence criteria codes applied, the variant is suggested to be Uncertain Significance.

Breakthrough Genomics
Classification: Uncertain significance. Review status: criteria provided, single submitter. Criteria: ACMG Guidelines, 2015. Collection method: not provided. Allele origin: germline. Inheritance: Autosomal recessive inheritance. Affected: yes.

PreventionGenetics, part of Exact Sciences
Classification: Uncertain significance for POLG-related condition. Last evaluated: 2024-04-11. Review status: no assertion criteria provided. Collection method: clinical testing. Allele origin: germline. Not counted in ClinVar's aggregate classification.
Comment: The POLG c.1904C>T variant is predicted to result in the amino acid substitution p.Pro635Leu. To our knowledge, this variant has not been reported in individuals with POLG-related disease. This variant is reported in 0.0058% of alleles in individuals of Latino descent in gnomAD. At this time, the clinical significance of this variant is uncertain due to the absence of conclusive functional and genetic evidence.

NM_002693.3(POLG):c.1904C>T (p.Pro635Leu)

Gene: POLG (DNA polymerase gamma, catalytic subunit; minus strand). Cytogenetic location: 15q26.1.
Variant type: single nucleotide variant.
Coding change: c.1904C>T on transcript NM_002693.3 (MANE Select); coding-DNA position 1904, C replaced by T.
Protein change: p.Pro635Leu; replaces proline 635 with leucine.
Molecular consequence: missense variant.
Genome position (GRCh38, 1-based): chr15:89,325,495, G>A on the plus strand (C>T on the coding strand, the complement: POLG is on the minus strand). VCF-style: chr15-89325495-G-A. GRCh37 (hg19) VCF-style: chr15-89868726-G-A.
Other names: p.P635L:CCG>CTG; p.Pro635Leu; c.1904C>T, p.Pro635Leu (NM_001126131.2); short protein forms P635L.
Identifiers: ClinVar variation 206503 (VCV000206503.45), dbSNP rs773994204, ClinGen allele CA316652.